The following is an entry in ClinVar:

ClinVar aggregate classification (germline): Uncertain significance (1 of 4 stars; one submission).

Conditions:
Cardiovascular phenotype. Identifiers: MedGen CN230736.

gnomAD v4.1: 5 of 1,614,218 alleles (0.00031%); highest among the groups gnomAD compares: Non-Finnish European, 0.00042%; no homozygotes.

Submission:

Ambry Genetics
Classification: Uncertain significance for Cardiovascular phenotype. Last evaluated: 2025-08-08. Review status: criteria provided, single submitter. Criteria: Ambry Variant Classification Scheme 2023. Collection method: clinical testing. Allele origin: germline.
Comment: The p.T610A variant (also known as c.1828A>G), located in coding exon 11 of the CBL gene, results from an A to G substitution at nucleotide position 1828. The threonine at codon 610 is replaced by alanine, an amino acid with similar properties. This amino acid position is conserved. In addition, this alteration is predicted to be tolerated by in silico analysis. Based on the available evidence, the clinical significance of this variant remains unclear.

NM_005188.4(CBL):c.1828A>G (p.Thr610Ala)

Gene: CBL (Cbl proto-oncogene; plus strand). Cytogenetic location: 11q23.3.
Variant type: single nucleotide variant.
Coding change: c.1828A>G on transcript NM_005188.4 (MANE Select); coding-DNA position 1828, A replaced by G.
Protein change: p.Thr610Ala; replaces threonine 610 with alanine.
Molecular consequence: missense variant.
Genome position (GRCh38, 1-based): chr11:119,285,453, A>G. VCF-style: chr11-119285453-A-G. GRCh37 (hg19) VCF-style: chr11-119156163-A-G.
Other names: short protein forms T610A.
Identifiers: ClinVar variation 4219896 (VCV004219896.1).